The following is an entry in ClinVar:

ClinVar aggregate classification (germline): Likely benign (0 of 4 stars; one submission).

Conditions:
HYCC1-related disorder. Also called: HYCC1-related condition.

Allele frequency attached by ClinVar (database versions not stated): 1000 Genomes Project 30x 0.00047; 1000 Genomes Project 0.00060.
gnomAD v4.1: 285 of 1,550,018 alleles (0.018%); highest among the groups gnomAD compares: East Asian, 0.58%; no homozygotes.

Submission:

PreventionGenetics, part of Exact Sciences
Classification: Likely benign for HYCC1-related condition. Last evaluated: 2023-03-16. Review status: no assertion criteria provided. Collection method: clinical testing. Allele origin: germline.
Comment: This variant is classified as likely benign based on ACMG/AMP sequence variant interpretation guidelines (Richards et al. 2015 PMID: 25741868, with internal and published modifications).

NM_032581.4(HYCC1):c.992-1008C>T

Gene: HYCC1 (hyccin PI4KA lipid kinase complex subunit 1; minus strand). Cytogenetic location: 7p15.3.
Variant type: single nucleotide variant.
Coding change: c.992-1008C>T on transcript NM_032581.4 (MANE Select); 1008 bases into the intron before coding-DNA position 992, C replaced by T.
Molecular consequence: intron variant. On other transcripts: synonymous variant (2).
Genome position (GRCh38, 1-based): chr7:22,947,171, G>A on the plus strand (C>T on the coding strand, the complement: HYCC1 is on the minus strand). VCF-style: chr7-22947171-G-A. GRCh37 (hg19) VCF-style: chr7-22986790-G-A.
Other names: c.1068C>T, p.Ala356= (NM_001363466.2, NM_001363467.2).
Identifiers: ClinVar variation 3049131 (VCV003049131.2), dbSNP rs139620522, ClinGen allele CA155211810.